The following is an entry in ClinVar:

ClinVar aggregate classification (germline): Uncertain significance. Review status: criteria provided, multiple submitters, no conflicts (2 of 4 stars). 2 submissions from 2 submitters: Uncertain significance (2). Last evaluated 2024-12-06.

Conditions:
Inborn genetic diseases. Identifiers: MedGen C0950123, MeSH D030342.

Allele frequency attached by ClinVar (database versions not stated): gnomAD exomes below 0.00001.
gnomAD v4.1: 1 of 1,614,034 alleles (0.000062%); highest among the groups gnomAD compares: Admixed American, 0.0017%; no homozygotes.

Submissions (2):

Ambry Genetics
Classification: Uncertain significance for Inborn genetic diseases. Last evaluated: 2024-12-06. Review status: criteria provided, single submitter. Criteria: Ambry Variant Classification Scheme 2023. Collection method: clinical testing. Allele origin: germline.
Comment: The p.K1202N variant (also known as c.3606G>T), located in coding exon 13 of the ASXL1 gene, results from a G to T substitution at nucleotide position 3606. The lysine at codon 1202 is replaced by asparagine, an amino acid with similar properties. This amino acid position is conserved. In addition, this alteration is predicted to be tolerated by in silico analysis. Based on the available evidence, the clinical significance of this variant remains unclear.

Labcorp Genetics (formerly Invitae), Labcorp
Classification: Uncertain significance. Last evaluated: 2022-06-19. Review status: criteria provided, single submitter. Criteria: Invitae Variant Classification Sherloc (09022015). Collection method: clinical testing. Allele origin: germline.
Comment: In summary, the available evidence is currently insufficient to determine the role of this variant in disease. Therefore, it has been classified as a Variant of Uncertain Significance. Algorithms developed to predict the effect of missense changes on protein structure and function (SIFT, PolyPhen-2, Align-GVGD) all suggest that this variant is likely to be tolerated. This variant has not been reported in the literature in individuals affected with ASXL1-related conditions. This variant is not present in population databases (gnomAD no frequency). This sequence change replaces lysine, which is basic and polar, with asparagine, which is neutral and polar, at codon 1202 of the ASXL1 protein (p.Lys1202Asn).

NM_015338.6(ASXL1):c.3606G>T (p.Lys1202Asn)

Gene: ASXL1 (ASXL transcriptional regulator 1; plus strand). Cytogenetic location: 20q11.21.
Variant type: single nucleotide variant.
Coding change: c.3606G>T on transcript NM_015338.6 (MANE Select); coding-DNA position 3606, G replaced by T.
Protein change: p.Lys1202Asn; replaces lysine 1202 with asparagine.
Molecular consequence: missense variant.
Genome position (GRCh38, 1-based): chr20:32,436,318, G>T. VCF-style: chr20-32436318-G-T. GRCh37 (hg19) VCF-style: chr20-31024121-G-T.
Other names: c.3423G>T, p.Lys1141Asn (NM_001363734.1); short protein forms K1141N, K1202N.
Identifiers: ClinVar variation 2081246 (VCV002081246.5), dbSNP rs2145384512, ClinGen allele CA408563409.